The following is an entry in ClinVar:

ClinVar aggregate classification (germline): Uncertain significance. Review status: criteria provided, multiple submitters, no conflicts (2 of 4 stars). 2 submissions from 2 submitters: Uncertain significance (2). Last evaluated 2025-05-19.

Conditions:
Hereditary cancer-predisposing syndrome. Also called: Hereditary neoplastic syndrome; Hereditary Cancer Syndrome; Tumor predisposition; Neoplastic Syndromes, Hereditary. Identifiers: Orphanet 140162, MedGen C0027672, MeSH D009386, MONDO:0015356.
Birt-Hogg-Dube syndrome. Also called: Birt Hogg Dubé syndrome. Identifiers: Orphanet 122, MedGen C0346010, MONDO:0800444.

Submissions (2):

Ambry Genetics
Classification: Uncertain significance for Hereditary cancer-predisposing syndrome. Last evaluated: 2025-05-19. Review status: criteria provided, single submitter. Criteria: Ambry Variant Classification Scheme 2023. Collection method: clinical testing. Allele origin: germline.
Comment: The p.D525G variant (also known as c.1574A>G), located in coding exon 11 of the FLCN gene, results from an A to G substitution at nucleotide position 1574. The aspartic acid at codon 525 is replaced by glycine, an amino acid with similar properties. This amino acid position is conserved. In addition, the in silico prediction for this alteration is inconclusive. Based on the available evidence, the clinical significance of this variant remains unclear.

Labcorp Genetics (formerly Invitae), Labcorp
Classification: Uncertain significance for Birt-Hogg-Dube syndrome. Last evaluated: 2019-10-18. Review status: criteria provided, single submitter. Criteria: Invitae Variant Classification Sherloc (09022015). Collection method: clinical testing. Allele origin: germline.
Comment: This sequence change replaces aspartic acid with glycine at codon 525 of the FLCN protein (p.Asp525Gly). The aspartic acid residue is highly conserved and there is a moderate physicochemical difference between aspartic acid and glycine. This variant is not present in population databases (ExAC no frequency). In summary, the available evidence is currently insufficient to determine the role of this variant in disease. Therefore, it has been classified as a Variant of Uncertain Significance. Algorithms developed to predict the effect of sequence changes on RNA splicing suggest that this variant may create or strengthen a splice site, but this prediction has not been confirmed by published transcriptional studies. Algorithms developed to predict the effect of missense changes on protein structure and function (SIFT, PolyPhen-2, Align-GVGD) all suggest that this variant is likely to be tolerated, but these predictions have not been confirmed by published functional studies and their clinical significance is uncertain. This variant has not been reported in the literature in individuals with FLCN-related conditions.

NM_144997.7(FLCN):c.1574A>G (p.Asp525Gly)

Gene: FLCN (folliculin; minus strand). Cytogenetic location: 17p11.2.
Variant type: single nucleotide variant.
Coding change: c.1574A>G on transcript NM_144997.7 (MANE Select); coding-DNA position 1574, A replaced by G.
Protein change: p.Asp525Gly; replaces aspartic acid 525 with glycine.
Molecular consequence: missense variant.
Genome position (GRCh38, 1-based): chr17:17,213,821, T>C on the plus strand (A>G on the coding strand, the complement: FLCN is on the minus strand). VCF-style: chr17-17213821-T-C. GRCh37 (hg19) VCF-style: chr17-17117135-T-C.
Other names: c.1628A>G, p.Asp543Gly (NM_001353229.2); c.1574A>G, p.Asp525Gly (NM_001353230.2, NM_001353231.2); short protein forms D525G, D543G.
Identifiers: ClinVar variation 970400 (VCV000970400.8), dbSNP rs2046823116, ClinGen allele CA398530459.